The following is an entry in ClinVar:

ClinVar aggregate classification (germline): Pathogenic (1 of 4 stars; one submission).

Conditions:
Neurofibromatosis, type 1 (NF1). Also called: Neurofibromatosis, type I; VON RECKLINGHAUSEN DISEASE; Peripheral type neurofibromatosis; NEUROFIBROMATOSIS, TYPE I, SOMATIC. Identifiers: Orphanet 636, MedGen C0027831, MONDO:0018975, OMIM 162200. Disease mechanism: loss of function.

Submission:

Labcorp Genetics (formerly Invitae), Labcorp
Classification: Pathogenic for Neurofibromatosis, type 1. Last evaluated: 2019-02-20. Review status: criteria provided, single submitter. Criteria: Invitae Variant Classification Sherloc (09022015). Collection method: clinical testing. Allele origin: germline.
Comment: For these reasons, this variant has been classified as Pathogenic. Loss-of-function variants in NF1 are known to be pathogenic (PMID: 10712197, 23913538). This variant has not been reported in the literature in individuals with NF1-related conditions. This variant is not present in population databases (ExAC no frequency). This sequence change creates a premature translational stop signal (p.Leu1856Profs*9) in the NF1 gene. It is expected to result in an absent or disrupted protein product.

Literature cited by the submitters: PubMed 10712197; PubMed 23913538.

NM_001042492.3(NF1):c.5629dup (p.Leu1877fs)

Gene: NF1 (neurofibromin 1; plus strand). Cytogenetic location: 17q11.2.
Variant type: Duplication.
Coding change: c.5629dup on transcript NM_001042492.3 (MANE Select); coding-DNA position 5629, one base duplicated (C; older notation c.5629dupC).
Protein change: p.Leu1877fs; shifts the reading frame from leucine 1877.
Molecular consequence: frameshift variant.
Genome position (GRCh38, 1-based): chr17:31,330,315, C duplicated. VCF-style (leftmost placement, unchanged base first): chr17-31330314-T-TC. GRCh37 (hg19) VCF-style: chr17-29657332-T-TC.
Other names: c.5566dup, p.Leu1856Profs (NM_000267.4); short protein forms L1877fs, L1856fs.
Identifiers: ClinVar variation 864001 (VCV000864001.6), dbSNP rs2069448374, ClinGen allele CA916080638.